The following is an entry in ClinVar:

NM_001848.3(COL6A1):c.2050G>T (p.Val684Leu)

Gene: COL6A1 (collagen type VI alpha 1 chain; plus strand). Cytogenetic location: 21q22.3.
Variant type: single nucleotide variant.
Coding change: c.2050G>T on transcript NM_001848.3 (MANE Select); coding-DNA position 2050, G replaced by T.
Protein change: p.Val684Leu; replaces valine 684 with leucine.
Molecular consequence: missense variant.
Genome position (GRCh38, 1-based): chr21:46,002,054, G>T. VCF-style: chr21-46002054-G-T. GRCh37 (hg19) VCF-style: chr21-47421968-G-T.
Other names: c.2050G>T (NM_001848.2); short protein forms V684L.
Identifiers: ClinVar variation 281700 (VCV000281700.14), dbSNP rs138312247, ClinGen allele CA10070733.

ClinVar aggregate classification (germline): Conflicting classifications of pathogenicity. Review status: criteria provided, conflicting classifications (1 of 4 stars). 4 submissions from 4 submitters: Uncertain significance (3); Likely benign (1). Last evaluated 2026-02-06.

Conditions:
COL6A1-related disorder. Also called: COL6A1-related condition.
Bethlem myopathy 1A. Also called: Bethlem Muscular Dystrophy; MYOPATHY, BENIGN CONGENITAL, WITH CONTRACTURES; Bethlem myopathy 1. Identifiers: Orphanet 610, MedGen CN029274, MONDO:0024530, OMIM 158810.

Allele frequency attached by ClinVar (database versions not stated): TOPMed 0.00008; ESP Exome Variant Server 0.00023.
gnomAD v4.1: 240 of 1,611,704 alleles (0.015%); highest among the groups gnomAD compares: Non-Finnish European, 0.019%; no homozygotes.

Submissions (4):

PreventionGenetics, part of Exact Sciences
Classification: Uncertain significance for COL6A1-related condition. Last evaluated: 2026-02-06. Review status: criteria provided, single submitter. Criteria: ACMG Guidelines, 2015. Collection method: clinical testing. Allele origin: germline.
Comment: The COL6A1 c.2050G>T variant is predicted to result in the amino acid substitution p.Val684Leu. This variant has been reported in an individual with limb-girdle muscular dystrophy (Table S7, Nallamilli et al 2018. PubMed ID: 30564623). This variant is reported in 0.011% of alleles in individuals of European (Non-Finnish) descent in gnomAD. At this time, the clinical significance of this variant is uncertain due to the absence of conclusive functional and genetic evidence.

Labcorp Genetics (formerly Invitae), Labcorp
Classification: Likely benign for Bethlem myopathy 1A. Last evaluated: 2024-03-04. Review status: criteria provided, single submitter. Criteria: Invitae Variant Classification Sherloc (09022015). Collection method: clinical testing. Allele origin: germline.

Revvity Omics, Revvity
Classification: Uncertain significance. Last evaluated: 2024-02-06. Review status: criteria provided, single submitter. Criteria: ACMG Guidelines, 2015. Collection method: clinical testing. Allele origin: germline.

Eurofins Ntd Llc (ga)
Classification: Uncertain significance. Last evaluated: 2017-01-11. Review status: criteria provided, single submitter. Criteria: EGL Classification Definitions 2015. Collection method: clinical testing. Allele origin: germline. Observed: 4 variant alleles, 4 heterozygotes.